The following is an entry in ClinVar:

ClinVar aggregate classification (germline): Uncertain significance (1 of 4 stars; one submission).

gnomAD v4.1: 2 of 1,613,844 alleles (0.00012%); highest among the groups gnomAD compares: African/African-American, 0.0013%; no homozygotes.

Submission:

GeneDx
Classification: Uncertain significance. Last evaluated: 2025-03-25. Review status: criteria provided, single submitter. Criteria: GeneDx Variant Classification Process June 2021. Collection method: clinical testing. Allele origin: germline. Affected: yes.
Comment: Not observed at significant frequency in large population cohorts (gnomAD); In silico analysis supports that this missense variant has a deleterious effect on protein structure/function; Has not been previously published as pathogenic or benign to our knowledge; Not located in one of the three hot-spot regions of the RYR2 gene, where the majority of pathogenic missense variants occur (PMID: 19926015); This variant is associated with the following publications: (PMID: 19926015)

NM_001035.3(RYR2):c.2666T>C (p.Ile889Thr)

Gene: RYR2 (ryanodine receptor 2; plus strand). Cytogenetic location: 1q43.
Variant type: single nucleotide variant.
Coding change: c.2666T>C on transcript NM_001035.3 (MANE Select); coding-DNA position 2666, T replaced by C.
Protein change: p.Ile889Thr; replaces isoleucine 889 with threonine.
Molecular consequence: missense variant.
Genome position (GRCh38, 1-based): chr1:237,506,762, T>C. VCF-style: chr1-237506762-T-C. GRCh37 (hg19) VCF-style: chr1-237670062-T-C.
Other names: short protein forms I889T.
Identifiers: ClinVar variation 4088147 (VCV004088147.1).